The following is an entry in ClinVar:

ClinVar aggregate classification (germline): Uncertain significance (1 of 4 stars; one submission).

Conditions:
RFT1-congenital disorder of glycosylation (CDG1N). Also called: Congenital disorder of glycosylation type In; RFT1-CDG; CDG In. Identifiers: Orphanet 244310, MedGen C2677590, MONDO:0012783, OMIM 612015.

Allele frequency attached by ClinVar (database versions not stated): ExAC 0.00001; gnomAD 0.00001; gnomAD exomes 0.00001.
gnomAD v4.1: 21 of 1,613,454 alleles (0.0013%); highest among the groups gnomAD compares: Non-Finnish European, 0.0018%; no homozygotes.

Submission:

Labcorp Genetics (formerly Invitae), Labcorp
Classification: Uncertain significance for RFT1-congenital disorder of glycosylation. Last evaluated: 2022-06-27. Review status: criteria provided, single submitter. Criteria: Invitae Variant Classification Sherloc (09022015). Collection method: clinical testing. Allele origin: germline.
Comment: This sequence change replaces isoleucine, which is neutral and non-polar, with threonine, which is neutral and polar, at codon 280 of the RFT1 protein (p.Ile280Thr). This variant is present in population databases (rs757620281, gnomAD 0.0009%). This variant has not been reported in the literature in individuals affected with RFT1-related conditions. Algorithms developed to predict the effect of missense changes on protein structure and function output the following: SIFT: "Tolerated"; PolyPhen-2: "Benign"; Align-GVGD: "Class C0". The threonine amino acid residue is found in multiple mammalian species, which suggests that this missense change does not adversely affect protein function. Algorithms developed to predict the effect of sequence changes on RNA splicing suggest that this variant may create or strengthen a splice site. In summary, the available evidence is currently insufficient to determine the role of this variant in disease. Therefore, it has been classified as a Variant of Uncertain Significance.

NM_052859.4(RFT1):c.839T>C (p.Ile280Thr)

Gene: RFT1 (RFT1 glycolipid translocator homolog; minus strand). Cytogenetic location: 3p21.1.
Variant type: single nucleotide variant.
Coding change: c.839T>C on transcript NM_052859.4 (MANE Select); coding-DNA position 839, T replaced by C.
Protein change: p.Ile280Thr; replaces isoleucine 280 with threonine.
Molecular consequence: missense variant.
Genome position (GRCh38, 1-based): chr3:53,105,791, A>G on the plus strand (T>C on the coding strand, the complement: RFT1 is on the minus strand). VCF-style: chr3-53105791-A-G. GRCh37 (hg19) VCF-style: chr3-53139807-A-G.
Other names: short protein forms I280T.
Identifiers: ClinVar variation 1368542 (VCV001368542.5), dbSNP rs757620281, ClinGen allele CA2451304.